The following is an entry in ClinVar:

ClinVar aggregate classification (germline): Pathogenic (1 of 4 stars; one submission).

gnomAD v4.1: 1 of 1,613,842 alleles (0.000062%); highest among the groups gnomAD compares: Non-Finnish European, 0.000085%; no homozygotes.

Submission:

Labcorp Genetics (formerly Invitae), Labcorp
Classification: Pathogenic. Last evaluated: 2025-03-22. Review status: criteria provided, single submitter. Criteria: Invitae Variant Classification Sherloc (09022015). Collection method: clinical testing. Allele origin: germline.
Comment: This sequence change creates a premature translational stop signal (p.Trp5*) in the TMEM38B gene. It is expected to result in an absent or disrupted protein product. Loss-of-function variants in TMEM38B are known to be pathogenic (PMID: 17611541, 23054245). This variant is not present in population databases (gnomAD no frequency). This variant has not been reported in the literature in individuals affected with TMEM38B-related conditions. For these reasons, this variant has been classified as Pathogenic.

Literature cited by the submitters: PubMed 17611541; PubMed 23054245.

NM_018112.3(TMEM38B):c.14G>A (p.Trp5Ter)

Gene: TMEM38B (transmembrane protein 38B; plus strand). Cytogenetic location: 9q31.2.
Variant type: single nucleotide variant.
Coding change: c.14G>A on transcript NM_018112.3 (MANE Select); coding-DNA position 14, G replaced by A.
Protein change: p.Trp5Ter; replaces tryptophan 5 with a stop codon.
Molecular consequence: nonsense.
Genome position (GRCh38, 1-based): chr9:105,694,674, G>A. VCF-style: chr9-105694674-G-A. GRCh37 (hg19) VCF-style: chr9-108456955-G-A.
Other names: short protein forms W5*.
Identifiers: ClinVar variation 4715203 (VCV004715203.1).